The following is an entry in ClinVar:

ClinVar aggregate classification (germline): Uncertain significance. Review status: criteria provided, multiple submitters, no conflicts (2 of 4 stars). 3 submissions from 3 submitters: Uncertain significance (2). 1 of the submissions does not count toward it. Last evaluated 2024-10-25.

Conditions:
Inborn genetic diseases. Identifiers: MedGen C0950123, MeSH D030342.
SPTB-related disorder. Also called: SPTB-Related Disorders; SPTB-related condition.

Allele frequency attached by ClinVar (database versions not stated): TOPMed 0.00003; gnomAD 0.00004; ESP Exome Variant Server 0.00023.

Submissions (3):

Ambry Genetics
Classification: Uncertain significance for Inborn genetic diseases. Last evaluated: 2024-10-25. Review status: criteria provided, single submitter. Criteria: Ambry Variant Classification Scheme 2023. Collection method: clinical testing. Allele origin: germline.

ARUP Laboratories, Molecular Genetics and Genomics, ARUP Laboratories
Classification: Uncertain significance. Last evaluated: 2019-09-18. Review status: criteria provided, single submitter. Criteria: ARUP Molecular Germline Variant Investigation Process. Collection method: clinical testing. Allele origin: germline.

PreventionGenetics, part of Exact Sciences
Classification: Uncertain significance for SPTB-related condition. Last evaluated: 2023-11-29. Review status: no assertion criteria provided. Collection method: clinical testing. Allele origin: germline. Not counted in ClinVar's aggregate classification.
Comment: The SPTB c.1492C>T variant is predicted to result in the amino acid substitution p.Arg498Cys. To our knowledge, this variant has not been reported in the literature. This variant is reported in 0.012% of alleles in individuals of African descent in gnomAD. At this time, the clinical significance of this variant is uncertain due to the absence of conclusive functional and genetic evidence.

NM_001355436.2(SPTB):c.1492C>T (p.Arg498Cys)

Gene: SPTB (spectrin beta, erythrocytic; minus strand). Cytogenetic location: 14q23.3.
Variant type: single nucleotide variant.
Coding change: c.1492C>T on transcript NM_001355436.2 (MANE Select); coding-DNA position 1492, C replaced by T.
Protein change: p.Arg498Cys; replaces arginine 498 with cysteine.
Molecular consequence: missense variant.
Genome position (GRCh38, 1-based): chr14:64,795,489, G>A on the plus strand (C>T on the coding strand, the complement: SPTB is on the minus strand). VCF-style: chr14-64795489-G-A. GRCh37 (hg19) VCF-style: chr14-65262207-G-A.
Other names: NM_000347.5:c.1492C>T; c.1492C>T, p.Arg498Cys (NM_001024858.4, NM_001355437.2); c.1492C>T (NM_001024858.2); short protein forms R498C.
Identifiers: ClinVar variation 993331 (VCV000993331.11), dbSNP rs144624027, ClinGen allele CA7231104.
Genomic context (GRCh38, chr14:64,795,489, plus strand): 5'-GCAGCAGCTCCTGCAGGTAGCTCCATAGGCGCAGTATATTGTCCTTGCGGGCCGTGATGC[G>A]CTTCTGGTCATGGTAGTTCTCTTTCTCCAGCTCCTGAGCCAGGTCCTCCAGGGCTCTCAC-3'
Protein context (NP_001342365.1, residues 488-508): LEKENYHDQK[Arg498Cys]ITARKDNILR